The following is an entry in ClinVar:

ClinVar aggregate classification (germline): Uncertain significance (1 of 4 stars; one submission).

gnomAD v4.1: 11 of 1,212,374 alleles (0.00091%); highest among the groups gnomAD compares: African/African-American, 0.017%; no homozygotes.

Submission:

Women's Health and Genetics/Laboratory Corporation of America, LabCorp
Classification: Uncertain significance. Last evaluated: 2026-06-18. Review status: criteria provided, single submitter. Criteria: LabCorp Variant Classification Summary - May 2015. Collection method: clinical testing. Allele origin: germline.
Comment: Variant summary: RBMX c.936T>G (p.Asp312Glu) results in a conservative amino acid change in the encoded protein sequence. Algorithms developed to predict the effect of missense changes on protein structure and function are either unavailable or do not agree on the potential impact of this missense change. The variant allele was found at a frequency of 2.2e-05 in 183326 control chromosomes. The available data on variant occurrences in the general population are insufficient to allow any conclusion about variant significance. To our knowledge, no occurrence of c.936T>G in individuals affected with RBMX-related conditions and no experimental evidence demonstrating its impact on protein function have been reported. No submitters have cited clinical-significance assessments for this variant to ClinVar. Based on the evidence outlined above, the variant was classified as uncertain significance.

NM_002139.4(RBMX):c.936T>G (p.Asp312Glu)

Genes: RBMX (RNA binding motif protein X-linked; minus strand), LOC126863330 (MED14-independent group 3 enhancer GRCh37_chrX:135956167-135957366; plus strand). Cytogenetic location: Xq26.3.
Variant type: single nucleotide variant.
Coding change: c.936T>G on transcript NM_002139.4 (MANE Select); coding-DNA position 936, T replaced by G.
Protein change: p.Asp312Glu; replaces aspartic acid 312 with glutamic acid.
Molecular consequence: missense variant. On other transcripts: non-coding transcript variant (2), intron variant (1).
Genome position (GRCh38, 1-based): chrX:136,874,382, A>C on the plus strand (T>G on the coding strand, the complement: RBMX is on the minus strand). VCF-style: chrX-136874382-A-C. GRCh37 (hg19) VCF-style: chrX-135956541-A-C.
Other names: c.540+704T>G (NM_001164803.2); short protein forms D312E.
Identifiers: ClinVar variation 4887148 (VCV004887148.1).